The following is an entry in ClinVar:

ClinVar aggregate classification (germline): Uncertain significance (1 of 4 stars; one submission).

Submission:

Labcorp Genetics (formerly Invitae), Labcorp
Classification: Uncertain significance. Last evaluated: 2022-05-08. Review status: criteria provided, single submitter. Criteria: Invitae Variant Classification Sherloc (09022015). Collection method: clinical testing. Allele origin: germline.
Comment: This sequence change creates a premature translational stop signal (p.His1761Leufs*11) in the TET2 gene. While this is not anticipated to result in nonsense mediated decay, it is expected to disrupt the last 242 amino acid(s) of the TET2 protein. This variant is not present in population databases (gnomAD no frequency). This variant has not been reported in the literature in individuals affected with TET2-related conditions. Experimental studies and prediction algorithms are not available or were not evaluated, and the functional significance of this variant is currently unknown. In summary, the available evidence is currently insufficient to determine the role of this variant in disease. Therefore, it has been classified as a Variant of Uncertain Significance.

NM_001127208.3(TET2):c.5281_5282insTAAAAATGGTGAACATCATTCACCTC (p.His1761fs)

Genes: TET2 (tet methylcytosine dioxygenase 2; plus strand), TET2-AS1 (TET2 antisense RNA 1; minus strand). Cytogenetic location: 4q24.
Variant type: Microsatellite.
Coding change: c.5281_5282insTAAAAATGGTGAACATCATTCACCTC on transcript NM_001127208.3 (MANE Select); coding-DNA positions 5281 to 5282, TAAAAATGGTGAACATCATTCACCTC inserted.
Protein change: p.His1761fs; shifts the reading frame from histidine 1761.
Molecular consequence: frameshift variant.
Genome position: GRCh38 VCF-style: chr4-105275788-T-TCTCTAAAAATGGTGAACATCATTCAC. GRCh37 (hg19) VCF-style: chr4-106196945-T-TCTCTAAAAATGGTGAACATCATTCAC.
Other names: short protein forms H1761fs.
Identifiers: ClinVar variation 2135487 (VCV002135487.4), dbSNP rs2476751342.
Genomic context (GRCh38, chr4:105,275,788, plus strand): 5'-TTACCACCCAATCTGAGCAATCCAAACATGGACTATAAAAATGGTGAACATCATTCACCT[T>TCTCTAAAAATGGTGAACATCATTCAC]CTCACATAATCCATAACTACAGTGCAGCTCCGGGCATGTTCAACAGCTCTCTTCATGCCC-3'